The following is an entry in ClinVar:

Conditions:
Breast-ovarian cancer, familial, susceptibility to, 1 (BROVCA1). Also called: BRCA1 Hereditary Breast and Ovarian Cancer; OVARIAN CANCER, SUSCEPTIBILITY TO. Identifiers: Orphanet 145, MedGen C2676676, MONDO:0011450, OMIM 604370. Disease mechanism: loss of function.

Submission:

Brotman Baty Institute, University of Washington
No classification provided (evidence only). Condition: Breast-ovarian cancer, familial 1. Review status: no classification provided. Collection method: in vitro. Allele origin: not applicable. Functional consequence: functionally_normal.
ClinVar note: "not provided" was previously submitted as the classification for the variant. However, the classification appeared to be based only on an observation of functional data so it was converted to no classification on 2025-07-30.

NM_007294.4(BRCA1):c.5440G>T (p.Ala1814Ser)

Gene: BRCA1 (BRCA1 DNA repair associated; minus strand). Cytogenetic location: 17q21.31.
Variant type: single nucleotide variant.
Coding change: c.5440G>T on transcript NM_007294.4 (MANE Select); coding-DNA position 5440, G replaced by T.
Protein change: p.Ala1814Ser; replaces alanine 1814 with serine.
Molecular consequence: missense variant. On other transcripts: non-coding transcript variant (1).
Genome position (GRCh38, 1-based): chr17:43,047,670, C>A on the plus strand (G>T on the coding strand, the complement: BRCA1 is on the minus strand). VCF-style: chr17-43047670-C-A. GRCh37 (hg19) VCF-style: chr17-41199687-C-A.
Other names: c.5299G>T, p.Ala1767Ser (NM_007297.4, NM_001407692.1, NM_001407694.1 and 12 more transcripts); c.2128G>T, p.Ala710Ser (NM_007298.4, NM_007304.2, NM_001407984.1 and 11 more transcripts); c.2054G>T, p.Cys685Phe (NM_007299.4, NM_001408472.1); c.5503G>T, p.Ala1835Ser (NM_007300.4, NM_001407583.1, NM_001407585.1 and 1 more transcripts); c.5227G>T, p.Ala1743Ser (NM_001407571.1, NM_001407900.1, NM_001407902.1 and 12 more transcripts); c.5506G>T, p.Ala1836Ser (NM_001407581.1, NM_001407582.1); c.5437G>T, p.Ala1813Ser (NM_001407610.1, NM_001407611.1, NM_001407612.1 and 14 more transcripts); c.5434G>T, p.Ala1812Ser (NM_001407629.1, NM_001407630.1, NM_001407631.1 and 13 more transcripts); and 83 more; short protein forms A1814S, C685F, A710S, A1767S, A1835S, A1517S, A1518S, A1645S.
Identifiers: ClinVar variation 865518 (VCV000865518.3), dbSNP rs2050984571, ClinGen allele CA10590534.